The following is an entry in ClinVar:

NM_030665.4(RAI1):c.195G>A (p.Thr65=)

Gene: RAI1 (retinoic acid induced 1; plus strand). Cytogenetic location: 17p11.2.
Variant type: single nucleotide variant.
Coding change: c.195G>A on transcript NM_030665.4 (MANE Select); coding-DNA position 195, G replaced by A.
Protein change: p.Thr65=; no amino-acid change (threonine 65 retained).
Molecular consequence: synonymous variant.
Genome position (GRCh38, 1-based): chr17:17,793,143, G>A. VCF-style: chr17-17793143-G-A. GRCh37 (hg19) VCF-style: chr17-17696457-G-A.
Identifiers: ClinVar variation 290041 (VCV000290041.16), dbSNP rs377342940, ClinGen allele CA8418071.

ClinVar aggregate classification (germline): Conflicting classifications of pathogenicity. Review status: criteria provided, conflicting classifications (1 of 4 stars). 4 submissions from 4 submitters: Uncertain significance (1); Likely benign (2). 1 of the submissions does not count toward it. Last evaluated 2025-10-15.

Conditions:
RAI1-related disorder. Also called: RAI1-related condition.
Inborn genetic diseases. Identifiers: MedGen C0950123, MeSH D030342.

Allele frequency attached by ClinVar (database versions not stated): ExAC 0.00003; TOPMed 0.00008; gnomAD exomes 0.00003; ESP Exome Variant Server 0.00015.
gnomAD v4.1: 32 of 1,613,582 alleles (0.002%); highest among the groups gnomAD compares: African/African-American, 0.019%; no homozygotes.

Submissions (4):

Labcorp Genetics (formerly Invitae), Labcorp
Classification: Likely benign. Last evaluated: 2025-10-15. Review status: criteria provided, single submitter. Criteria: Invitae Variant Classification Sherloc (09022015). Collection method: clinical testing. Allele origin: germline.

Ambry Genetics
Classification: Likely benign for Inborn genetic diseases. Last evaluated: 2017-09-29. Review status: criteria provided, single submitter. Criteria: Ambry Variant Classification Scheme 2023. Collection method: clinical testing. Allele origin: germline.

Eurofins Ntd Llc (ga)
Classification: Uncertain significance. Last evaluated: 2016-08-16. Review status: criteria provided, single submitter. Criteria: EGL Classification Definitions 2015. Collection method: clinical testing. Allele origin: germline. Observed: 1 variant allele, 1 heterozygote.

PreventionGenetics, part of Exact Sciences
Classification: Likely benign for RAI1-related condition. Last evaluated: 2020-07-10. Review status: no assertion criteria provided. Collection method: clinical testing. Allele origin: germline. Not counted in ClinVar's aggregate classification.
Comment: This variant is classified as likely benign based on ACMG/AMP sequence variant interpretation guidelines (Richards et al. 2015 PMID: 25741868, with internal and published modifications).